The following is an entry in ClinVar:

NM_000133.4(F9):c.236A>T (p.Glu79Val)

Gene: F9 (coagulation factor IX; plus strand). Cytogenetic location: Xq27.1.
Variant type: single nucleotide variant.
Coding change: c.236A>T on transcript NM_000133.4 (MANE Select); coding-DNA position 236, A replaced by T.
Protein change: p.Glu79Val; replaces glutamic acid 79 with valine.
Molecular consequence: missense variant.
Genome position (GRCh38, 1-based): chrX:139,537,157, A>T. VCF-style: chrX-139537157-A-T. GRCh37 (hg19) VCF-style: chrX-138619316-A-T.
Other names: c.236A>T, p.Glu79Val (NM_001313913.2); short protein forms E79V.
Identifiers: ClinVar variation 2925691 (VCV002925691.3), dbSNP rs1468904853, ClinGen allele CA414436226.

ClinVar aggregate classification (germline): Likely pathogenic (1 of 4 stars; one submission).

Conditions:
Thrombophilia, X-linked, due to factor 9 defect. Identifiers: MedGen C2749016, MONDO:0010432, OMIM 300807.
Hereditary factor IX deficiency disease (HEMB). Also called: F9 DEFICIENCY; FACTOR IX DEFICIENCY; PLASMA THROMBOPLASTIN COMPONENT DEFICIENCY; Hemophilia B; Christmas Disease. Identifiers: Orphanet 98879, MedGen C0008533, MeSH D002836, MONDO:0010604, OMIM 306900.

Submission:

Labcorp Genetics (formerly Invitae), Labcorp
Classification: Likely pathogenic for Thrombophilia, X-linked, due to factor 9 defect; Hereditary factor IX deficiency disease. Last evaluated: 2023-05-30. Review status: criteria provided, single submitter. Criteria: Invitae Variant Classification Sherloc (09022015). Collection method: clinical testing. Allele origin: germline.
Comment: This variant disrupts the p.Glu79 amino acid residue in F9. Other variant(s) that disrupt this residue have been observed in individuals with F9-related conditions (PMID: 7937052, 10874302, 15569175, 15921378, 22639855, 23913812), which suggests that this may be a clinically significant amino acid residue. Advanced modeling of protein sequence and biophysical properties (such as structural, functional, and spatial information, amino acid conservation, physicochemical variation, residue mobility, and thermodynamic stability) performed at Invitae indicates that this missense variant is expected to disrupt F9 protein function. This missense change has been observed in individual(s) with hemophilia B (PMID: 23913812). This variant is not present in population databases (gnomAD no frequency). This sequence change replaces glutamic acid, which is acidic and polar, with valine, which is neutral and non-polar, at codon 79 of the F9 protein (p.Glu79Val). In summary, the currently available evidence indicates that the variant is pathogenic, but additional data are needed to prove that conclusively. Therefore, this variant has been classified as Likely Pathogenic.

Literature cited by the submitters: PubMed 7937052; PubMed 10874302; PubMed 15569175; PubMed 15921378; PubMed 22639855; PubMed 23913812.